The following is an entry in ClinVar:

NM_001164508.2(NEB):c.19092T>A (p.Asn6364Lys)

Gene: NEB (nebulin; minus strand). Cytogenetic location: 2q23.3.
Variant type: single nucleotide variant.
Coding change: c.19092T>A on transcript NM_001164508.2 (MANE Select); coding-DNA position 19092, T replaced by A.
Protein change: p.Asn6364Lys; replaces asparagine 6364 with lysine.
Molecular consequence: missense variant.
Genome position (GRCh38, 1-based): chr2:151,561,217, A>T on the plus strand (T>A on the coding strand, the complement: NEB is on the minus strand). VCF-style: chr2-151561217-A-T. GRCh37 (hg19) VCF-style: chr2-152417731-A-T.
Other names: c.13989T>A, p.Asn4663Lys (NM_004543.5); c.19092T>A, p.Asn6364Lys (NM_001164507.2, NM_001271208.2); short protein forms N6364K, N4663K.
Identifiers: ClinVar variation 1357412 (VCV001357412.5), dbSNP rs2096022022, ClinGen allele CA348795268.
Genomic context (GRCh38, chr2:151,561,217, plus strand): 5'-ATAAAGACAAGAAATAGTTTGTCCCTGGAAGAGGAGTACAGGAAGACGCACCTCACTGGC[A>T]TTAATGCCACTCTGAACAGCAGTCACATAGAGGGGCGTGTCTGTGACCAGATTATAGTTT-3'
Protein context (NP_001157980.2, residues 6354-6374): LYVTAVQSGI[Asn6364Lys]ASEVKYKENY

ClinVar aggregate classification (germline): Uncertain significance (1 of 4 stars; one submission).

Conditions:
Nemaline myopathy 2 (NEM2). Also called: Nemaline myopathy 2, autosomal recessive. Identifiers: MedGen C1850569, MONDO:0009725, OMIM 256030.

Allele frequency attached by ClinVar (database versions not stated): TOPMed 0.00001.

Submission:

Labcorp Genetics (formerly Invitae), Labcorp
Classification: Uncertain significance for Nemaline myopathy 2. Last evaluated: 2021-09-24. Review status: criteria provided, single submitter. Criteria: Invitae Variant Classification Sherloc (09022015). Collection method: clinical testing. Allele origin: germline.
Comment: This sequence change replaces asparagine with lysine at codon 6364 of the NEB protein (p.Asn6364Lys). The asparagine residue is moderately conserved and there is a moderate physicochemical difference between asparagine and lysine. This variant is not present in population databases (ExAC no frequency). This variant has not been reported in the literature in individuals with NEB-related conditions. Algorithms developed to predict the effect of missense changes on protein structure and function are either unavailable or do not agree on the potential impact of this missense change (SIFT: "Deleterious"; PolyPhen-2: "Not Available"; Align-GVGD: "Class C0"). In summary, the available evidence is currently insufficient to determine the role of this variant in disease. Therefore, it has been classified as a Variant of Uncertain Significance.